The following is an entry in ClinVar:

ClinVar aggregate classification (germline): Uncertain significance (1 of 4 stars; one submission).

Conditions:
Immunodeficiency. Identifiers: MedGen C0021051, MONDO:0021094, HP:0002721.

Submission:

Labcorp Genetics (formerly Invitae), Labcorp
Classification: Uncertain significance for Immunodeficiency. Last evaluated: 2025-05-22. Review status: criteria provided, single submitter. Criteria: Invitae Variant Classification Sherloc (09022015). Collection method: clinical testing. Allele origin: germline.
Comment: This sequence change replaces alanine, which is neutral and non-polar, with valine, which is neutral and non-polar, at codon 1350 of the NFAT5 protein (p.Ala1350Val). This variant is not present in population databases (gnomAD no frequency). This variant has not been reported in the literature in individuals affected with NFAT5-related conditions. An algorithm developed to predict the effect of missense changes on protein structure and function (PolyPhen-2) suggests that this variant is likely to be tolerated. In summary, the available evidence is currently insufficient to determine the role of this variant in disease. Therefore, it has been classified as a Variant of Uncertain Significance.

NM_138713.4(NFAT5):c.4331C>T (p.Ala1444Val)

Gene: NFAT5 (nuclear factor of activated T cells 5; plus strand). Cytogenetic location: 16q22.1.
Variant type: single nucleotide variant.
Coding change: c.4331C>T on transcript NM_138713.4 (MANE Select); coding-DNA position 4331, C replaced by T.
Protein change: p.Ala1444Val; replaces alanine 1444 with valine.
Molecular consequence: missense variant.
Genome position (GRCh38, 1-based): chr16:69,694,156, C>T. VCF-style: chr16-69694156-C-T. GRCh37 (hg19) VCF-style: chr16-69728059-C-T.
Other names: c.4328C>T, p.Ala1443Val (NM_001113178.3); c.3656C>T, p.Ala1219Val (NM_001367709.1); c.4277C>T, p.Ala1426Val (NM_006599.4); c.4049C>T, p.Ala1350Val (NM_138714.4, NM_173214.3, NM_173215.3); short protein forms A1444V, A1426V, A1219V, A1350V, A1443V.
Identifiers: ClinVar variation 4769156 (VCV004769156.1).